The following is an entry in ClinVar:

NM_030753.5(WNT3):c.688A>G (p.Ile230Val)

Genes: LRRC37A2 (leucine rich repeat containing 37 member A2), WNT3 (Wnt family member 3; minus strand). Cytogenetic location: 17q21.31.
Variant type: single nucleotide variant.
Coding change: c.688A>G on transcript NM_030753.5 (MANE Select); coding-DNA position 688, A replaced by G.
Protein change: p.Ile230Val; replaces isoleucine 230 with valine.
Molecular consequence: missense variant.
Genome position (GRCh38, 1-based): chr17:46,768,700, T>C on the plus strand (A>G on the coding strand, the complement: WNT3 is on the minus strand). VCF-style: chr17-46768700-T-C. GRCh37 (hg19) VCF-style: chr17-44846066-T-C.
Other names: short protein forms I230V.
Identifiers: ClinVar variation 1963821 (VCV001963821.5), dbSNP rs375210034, ClinGen allele CA8620542.
Genomic context (GRCh38, chr17:46,768,700, plus strand): 5'-GGTGCTTCTCTACTACCATCTCCGAGGCGCTGTCATACTTGTCCTTGAGGAAGTCACCGA[T>C]GGCACGGAAGTCAGGCTGCGCCCACCAGCAGGTCTTCACCTCACAGCTGCCCGACAGCCC-3'
Protein context (NP_110380.1, residues 220-240): CWWAQPDFRA[Ile230Val]GDFLKDKYDS

ClinVar aggregate classification (germline): Uncertain significance (1 of 4 stars; one submission).

Allele frequency attached by ClinVar (database versions not stated): ExAC 0.00001; gnomAD 0.00003; TOPMed 0.00004; gnomAD exomes 0.00005; ESP Exome Variant Server 0.00008.
gnomAD v4.1: 86 of 1,614,012 alleles (0.0053%); highest among the groups gnomAD compares: Non-Finnish European, 0.0067%; no homozygotes.

Submission:

Labcorp Genetics (formerly Invitae), Labcorp
Classification: Uncertain significance. Last evaluated: 2022-11-28. Review status: criteria provided, single submitter. Criteria: Invitae Variant Classification Sherloc (09022015). Collection method: clinical testing. Allele origin: germline.
Comment: In summary, the available evidence is currently insufficient to determine the role of this variant in disease. Therefore, it has been classified as a Variant of Uncertain Significance. This sequence change replaces isoleucine, which is neutral and non-polar, with valine, which is neutral and non-polar, at codon 230 of the WNT3 protein (p.Ile230Val). This variant is present in population databases (rs375210034, gnomAD 0.004%). This variant has not been reported in the literature in individuals affected with WNT3-related conditions. Advanced modeling of protein sequence and biophysical properties (such as structural, functional, and spatial information, amino acid conservation, physicochemical variation, residue mobility, and thermodynamic stability) performed at Invitae indicates that this missense variant is not expected to disrupt WNT3 protein function.